The following is an entry in ClinVar:

ClinVar aggregate classification (germline): Benign (1 of 4 stars; one submission).

Submission:

Mayo Clinic Laboratories, Mayo Clinic
Classification: Benign. Last evaluated: 2025-06-05. Review status: criteria provided, single submitter. Criteria: ACMG Guidelines, 2015. Collection method: clinical testing. Allele origin: germline. Observed: 155 variant alleles.
Comment: BA1, BP4, BP7

NM_000034.3:c.1038C>T

Gene: ALDOA (aldolase, fructose-bisphosphate A; plus strand).
Variant type: single nucleotide variant.
Other names: p.Ser346=.
Identifiers: ClinVar variation 4684090 (VCV004684090.1).